The following is an entry in ClinVar:

ClinVar aggregate classification (germline): Likely benign. Review status: criteria provided, multiple submitters, no conflicts (2 of 4 stars). 3 submissions from 3 submitters: Likely benign (3). Last evaluated 2026-08-01.

Conditions:
ZFHX4-related disorder. Also called: ZFHX4-related condition.

gnomAD v4.1: 290 of 1,613,846 alleles (0.018%); highest among the groups gnomAD compares: Admixed American, 0.078%; 11 homozygotes.

Submissions (3):

CeGaT Center for Human Genetics Tuebingen
Classification: Likely benign. Last evaluated: 2026-08-01. Review status: criteria provided, single submitter. Criteria: CeGaT Center For Human Genetics Tuebingen Variant Classification Criteria Version 2. Collection method: clinical testing. Allele origin: germline. Affected: yes. Observed: 1 variant allele.
Comment: ZFHX4: BS1

PreventionGenetics, part of Exact Sciences
Classification: Likely benign for ZFHX4-related condition. Last evaluated: 2025-03-03. Review status: criteria provided, single submitter. Criteria: ACMG Guidelines, 2015. Collection method: clinical testing. Allele origin: germline.
Comment: This variant is classified as likely benign based on ACMG/AMP sequence variant interpretation guidelines (Richards et al. 2015 PMID: 25741868, with internal and published modifications).

Blueprint Genetics
Classification: Likely benign. Last evaluated: 2024-11-26. Review status: criteria provided, single submitter. Criteria: ACMG Guidelines, 2015. Collection method: clinical testing. Allele origin: germline.

NM_024721.5(ZFHX4):c.9047A>T (p.Tyr3016Phe)

Gene: ZFHX4 (zinc finger homeobox 4; plus strand). Cytogenetic location: 8q21.13.
Variant type: single nucleotide variant.
Coding change: c.9047A>T on transcript NM_024721.5 (MANE Select); coding-DNA position 9047, A replaced by T.
Protein change: p.Tyr3016Phe; replaces tyrosine 3016 with phenylalanine.
Molecular consequence: missense variant.
Genome position (GRCh38, 1-based): chr8:76,855,968, A>T. VCF-style: chr8-76855968-A-T. GRCh37 (hg19) VCF-style: chr8-77768204-A-T.
Other names: c.8969A>T, p.Tyr2990Phe (NM_001410934.1); c.9047A>T (NM_024721.4); short protein forms Y3016F, Y2990F.
Identifiers: ClinVar variation 4900921 (VCV004900921.3).